The following is an entry in ClinVar:

ClinVar aggregate classification (germline): Uncertain significance. Review status: criteria provided, multiple submitters, no conflicts (2 of 4 stars). 2 submissions from 2 submitters: Uncertain significance (2). Last evaluated 2025-02-09.

Submissions (2):

Labcorp Genetics (formerly Invitae), Labcorp
Classification: Uncertain significance. Last evaluated: 2025-02-09. Review status: criteria provided, single submitter. Criteria: Invitae Variant Classification Sherloc (09022015). Collection method: clinical testing. Allele origin: germline.
Comment: This variant, c.5297_5302dup, results in the insertion of 2 amino acid(s) of the SPTA1 protein (p.Glu1766_Pro1767dup), but otherwise preserves the integrity of the reading frame. This variant is present in population databases (rs775920355, gnomAD 0.06%). This variant has not been reported in the literature in individuals affected with SPTA1-related conditions. ClinVar contains an entry for this variant (Variation ID: 2690095). In summary, the available evidence is currently insufficient to determine the role of this variant in disease. Therefore, it has been classified as a Variant of Uncertain Significance.

Revvity Omics, Revvity
Classification: Uncertain significance. Last evaluated: 2024-05-21. Review status: criteria provided, single submitter. Criteria: ACMG Guidelines, 2015. Collection method: clinical testing. Allele origin: germline.

NM_003126.4(SPTA1):c.5297_5302dup (p.Pro1767_Ala1768insGluPro)

Gene: SPTA1 (spectrin alpha, erythrocytic 1; minus strand). Cytogenetic location: 1q23.1.
Variant type: Duplication.
Coding change: c.5297_5302dup on transcript NM_003126.4 (MANE Select); coding-DNA positions 5297 to 5302, 6 bases duplicated (AGCCTG; older notation c.5297_5302dupAGCCTG).
Protein change: p.Pro1767_Ala1768insGluPro.
Molecular consequence: inframe insertion.
Genome position (GRCh38, 1-based): chr1:158,636,649-158,636,654, CAGGCT duplicated on the plus strand (AGCCTG on the coding strand, the reverse complement: SPTA1 is on the minus strand); duplicating any 6 consecutive bases within chr1:158,636,649-158,636,656 gives the same sequence; the c. name uses the placement nearest the transcript's 3' end. VCF-style (leftmost placement, unchanged base first): chr1-158636648-G-GCAGGCT. GRCh37 (hg19) VCF-style: chr1-158606438-G-GCAGGCT.
Identifiers: ClinVar variation 2690095 (VCV002690095.3), dbSNP rs775920355, ClinGen allele CA1182360.
Genomic context (GRCh38, chr1:158,636,648, plus strand): 5'-GGGGTTGCTATAGGATGATTTCTATATTTTCAGATCTGGTATTCTATTCCTACCTGGATG[G>GCAGGCT]CAGGCTCATGGGCCACCAGCTCCCCCTCTAGGCGTTTGTGCTTCTTCAGCAAGTTCTGAA-3'